The following is an entry in ClinVar:

ClinVar aggregate classification (germline): Uncertain significance (1 of 4 stars; one submission).

Allele frequency attached by ClinVar (database versions not stated): gnomAD 0.00001; gnomAD exomes 0.00001; TOPMed 0.00002.
gnomAD v4.1: 12 of 1,599,036 alleles (0.00075%); highest among the groups gnomAD compares: East Asian, 0.0023%; no homozygotes.

Submission:

Labcorp Genetics (formerly Invitae), Labcorp
Classification: Uncertain significance. Last evaluated: 2022-08-23. Review status: criteria provided, single submitter. Criteria: Invitae Variant Classification Sherloc (09022015). Collection method: clinical testing. Allele origin: germline.
Comment: This sequence change replaces alanine, which is neutral and non-polar, with valine, which is neutral and non-polar, at codon 1190 of the COL18A1 protein (p.Ala1190Val). The frequency data for this variant in the population databases is considered unreliable, as metrics indicate poor data quality at this position in the gnomAD database. This variant has not been reported in the literature in individuals affected with COL18A1-related conditions. ClinVar contains an entry for this variant (Variation ID: 1525763). Experimental studies and prediction algorithms are not available or were not evaluated, and the functional significance of this variant is currently unknown. In summary, the available evidence is currently insufficient to determine the role of this variant in disease. Therefore, it has been classified as a Variant of Uncertain Significance.

NM_001379500.1(COL18A1):c.3578C>T (p.Ala1193Val)

Genes: COL18A1 (collagen type XVIII alpha 1 chain; plus strand), SLC19A1 (solute carrier family 19 member 1; minus strand). Cytogenetic location: 21q22.3.
Variant type: single nucleotide variant.
Coding change: c.3578C>T on transcript NM_001379500.1 (MANE Select); coding-DNA position 3578, C replaced by T.
Protein change: p.Ala1193Val; replaces alanine 1193 with valine.
Molecular consequence: missense variant.
Genome position (GRCh38, 1-based): chr21:45,510,146, C>T. VCF-style: chr21-45510146-C-T. GRCh37 (hg19) VCF-style: chr21-46930060-C-T.
Other names: c.4109C>T, p.Ala1370Val (NM_030582.4); c.4814C>T, p.Ala1605Val (NM_130444.3); short protein forms A1193V, A1370V, A1605V.
Identifiers: ClinVar variation 1525763 (VCV001525763.3), dbSNP rs1425637945, ClinGen allele CA410501615.